The following is an entry in ClinVar:

NM_001379081.2(FREM1):c.1019C>T (p.Pro340Leu)

Gene: FREM1 (FRAS1 related extracellular matrix 1; minus strand). Cytogenetic location: 9p22.3.
Variant type: single nucleotide variant.
Coding change: c.1019C>T on transcript NM_001379081.2 (MANE Select); coding-DNA position 1019, C replaced by T.
Protein change: p.Pro340Leu; replaces proline 340 with leucine.
Molecular consequence: missense variant. On other transcripts: non-coding transcript variant (4).
Genome position (GRCh38, 1-based): chr9:14,851,417, G>A on the plus strand (C>T on the coding strand, the complement: FREM1 is on the minus strand). VCF-style: chr9-14851417-G-A. GRCh37 (hg19) VCF-style: chr9-14851415-G-A.
Other names: c.1046C>T, p.Pro349Leu (NM_001370060.1); c.1019C>T, p.Pro340Leu (NM_001370063.1, NM_001370065.1, NM_144966.7); short protein forms P340L, P349L.
Identifiers: ClinVar variation 2152620 (VCV002152620.4), dbSNP rs536916111, ClinGen allele CA4991388.

ClinVar aggregate classification (germline): Uncertain significance (1 of 4 stars; one submission).

Allele frequency attached by ClinVar (database versions not stated): gnomAD 0.00001; ExAC 0.00002; gnomAD exomes 0.00002; TOPMed 0.00002; 1000 Genomes Project 30x 0.00016; 1000 Genomes Project 0.00020.

Submission:

Labcorp Genetics (formerly Invitae), Labcorp
Classification: Uncertain significance. Last evaluated: 2022-06-29. Review status: criteria provided, single submitter. Criteria: Invitae Variant Classification Sherloc (09022015). Collection method: clinical testing. Allele origin: germline.
Comment: In summary, the available evidence is currently insufficient to determine the role of this variant in disease. Therefore, it has been classified as a Variant of Uncertain Significance. Algorithms developed to predict the effect of missense changes on protein structure and function are either unavailable or do not agree on the potential impact of this missense change (SIFT: "Deleterious"; PolyPhen-2: "Probably Damaging"; Align-GVGD: "Class C0"). This variant has not been reported in the literature in individuals affected with FREM1-related conditions. This variant is present in population databases (rs536916111, gnomAD 0.01%). This sequence change replaces proline, which is neutral and non-polar, with leucine, which is neutral and non-polar, at codon 340 of the FREM1 protein (p.Pro340Leu).